The following is an entry in ClinVar:

NM_133433.4(NIPBL):c.5709+4G>A

Gene: NIPBL (NIPBL cohesin loading factor; plus strand). Cytogenetic location: 5p13.2.
Variant type: single nucleotide variant.
Coding change: c.5709+4G>A on transcript NM_133433.4 (MANE Select); 4 bases into the intron after coding-DNA position 5709, G replaced by A.
Molecular consequence: intron variant.
Genome position (GRCh38, 1-based): chr5:37,024,723, G>A. VCF-style: chr5-37024723-G-A. GRCh37 (hg19) VCF-style: chr5-37024825-G-A.
Other names: c.5709+4G>A (NM_015384.5).
Identifiers: ClinVar variation 353384 (VCV000353384.10), dbSNP rs370325589, ClinGen allele CA3236822.

ClinVar aggregate classification (germline): Likely benign. Review status: criteria provided, multiple submitters, no conflicts (2 of 4 stars). 3 submissions from 3 submitters: Likely benign (3). Last evaluated 2024-10-03.

Conditions:
Cornelia de Lange syndrome 1 (CDLS1). Also called: TYPUS DEGENERATIVUS AMSTELODAMENSIS; NIPBL-Related Cornelia de Lange Syndrome; Brachmann de Lange syndrome. Identifiers: Orphanet 199, MedGen C4551851, MONDO:0007387, OMIM 122470.
Inborn genetic diseases. Identifiers: MedGen C0950123, MeSH D030342.

Allele frequency attached by ClinVar (database versions not stated): TOPMed 0.00006; ESP Exome Variant Server 0.00015; gnomAD 0.00047 and 0.00050; gnomAD exomes 0.00065; ExAC 0.00073.
gnomAD v4.1: 460 of 1,605,950 alleles (0.029%); highest among the groups gnomAD compares: Non-Finnish European, 0.009%; 4 homozygotes.

Submissions (3):

Blueprint Genetics
Classification: Likely benign. Last evaluated: 2024-10-03. Review status: criteria provided, single submitter. Criteria: ACMG Guidelines, 2015. Collection method: clinical testing. Allele origin: germline.

Ambry Genetics
Classification: Likely benign for Inborn genetic diseases. Last evaluated: 2018-11-10. Review status: criteria provided, single submitter. Criteria: Ambry Variant Classification Scheme 2023. Collection method: clinical testing. Allele origin: germline.

Illumina Laboratory Services, Illumina
Classification: Likely benign for Cornelia de Lange syndrome 1. Last evaluated: 2018-01-12. Review status: criteria provided, single submitter. Criteria: ICSL Variant Classification Criteria 13 December 2019. Collection method: clinical testing. Allele origin: germline.
Comment: This variant was observed in the ICSL laboratory as part of a predisposition screen in an ostensibly healthy population. It had not been previously curated by ICSL or reported in the Human Gene Mutation Database (HGMD: prior to June 1st, 2018), and was therefore a candidate for classification through an automated scoring system. Utilizing variant allele frequency, disease prevalence and penetrance estimates, and inheritance mode, an automated score was calculated to assess if this variant is too frequent to cause the disease. Based on the score and internal cut-off values, a variant classified as likely benign is not then subjected to further curation. The score for this variant resulted in a classification of likely benign for this disease.